The following is an entry in ClinVar:

ClinVar aggregate classification (germline): Uncertain significance (1 of 4 stars; one submission).

Conditions:
Inborn genetic diseases. Identifiers: MedGen C0950123, MeSH D030342.

Submission:

Ambry Genetics
Classification: Uncertain significance for Inborn genetic diseases. Last evaluated: 2026-05-19. Review status: criteria provided, single submitter. Criteria: Ambry Variant Classification Scheme 2023. Collection method: clinical testing. Allele origin: germline.
Comment: The p.I124L variant (also known as c.370A>C), located in coding exon 4 of the FANCA gene, results from an A to C substitution at nucleotide position 370. The isoleucine at codon 124 is replaced by leucine, an amino acid with highly similar properties. This amino acid position is conserved. In addition, this alteration is predicted to be tolerated by in silico analysis. Based on the available evidence, the clinical significance of this variant remains unclear.

NM_000135.4(FANCA):c.370A>C (p.Ile124Leu)

Gene: FANCA (FA complementation group A; minus strand). Cytogenetic location: 16q24.3.
Variant type: single nucleotide variant.
Coding change: c.370A>C on transcript NM_000135.4 (MANE Select); coding-DNA position 370, A replaced by C.
Protein change: p.Ile124Leu; replaces isoleucine 124 with leucine.
Molecular consequence: missense variant.
Genome position (GRCh38, 1-based): chr16:89,810,985, T>G on the plus strand (A>C on the coding strand, the complement: FANCA is on the minus strand). VCF-style: chr16-89810985-T-G. GRCh37 (hg19) VCF-style: chr16-89877393-T-G.
Other names: c.370A>C, p.Ile124Leu (NM_001018112.3, NM_001286167.3, NM_001351830.2); short protein forms I124L.
Identifiers: ClinVar variation 4870880 (VCV004870880.1).
Genomic context (GRCh38, chr16:89,810,985, plus strand): 5'-TTACTCTCTGCTCCACAGTCAGCAGCACAGGGTGACTGGTCTCCGCTGGAGCCGTGCAGA[T>G]CTGTCCCACGCTAGAGGCAACCATCCCGGCTGAGAGAATACCCACGGGAACCCCCAGCCT-3'
Protein context (NP_000126.2, residues 114-134): AGMVASSVGQ[Ile124Leu]CTAPAETSHP